The following is an entry in ClinVar:

NM_170606.3(KMT2C):c.14063C>T (p.Thr4688Ile)

Gene: KMT2C (lysine methyltransferase 2C; minus strand). Cytogenetic location: 7q36.1.
Variant type: single nucleotide variant.
Coding change: c.14063C>T on transcript NM_170606.3 (MANE Select); coding-DNA position 14063, C replaced by T.
Protein change: p.Thr4688Ile; replaces threonine 4688 with isoleucine.
Molecular consequence: missense variant.
Genome position (GRCh38, 1-based): chr7:152,145,264, G>A on the plus strand (C>T on the coding strand, the complement: KMT2C is on the minus strand). VCF-style: chr7-152145264-G-A. GRCh37 (hg19) VCF-style: chr7-151842349-G-A.
Other names: short protein forms T4688I.
Identifiers: ClinVar variation 4773949 (VCV004773949.1).

ClinVar aggregate classification (germline): Uncertain significance (1 of 4 stars; one submission).

Submission:

Labcorp Genetics (formerly Invitae), Labcorp
Classification: Uncertain significance. Last evaluated: 2025-09-24. Review status: criteria provided, single submitter. Criteria: Invitae Variant Classification Sherloc (09022015). Collection method: clinical testing. Allele origin: germline.
Comment: This sequence change replaces threonine, which is neutral and polar, with isoleucine, which is neutral and non-polar, at codon 4688 of the KMT2C protein (p.Thr4688Ile). This variant is not present in population databases (gnomAD no frequency). This variant has not been reported in the literature in individuals affected with KMT2C-related conditions. An algorithm developed to predict the effect of missense changes on protein structure and function (PolyPhen-2) suggests that this variant is likely to be disruptive. In summary, the available evidence is currently insufficient to determine the role of this variant in disease. Therefore, it has been classified as a Variant of Uncertain Significance.